The following is an entry in ClinVar:

ClinVar aggregate classification (germline): Uncertain significance (1 of 4 stars; one submission).

Conditions:
Cardiovascular phenotype. Identifiers: MedGen CN230736.

Allele frequency attached by ClinVar (database versions not stated): TOPMed below 0.00001; ExAC 0.00001.
gnomAD v4.1: 1 of 1,614,008 alleles (0.000062%); no homozygotes.

Submission:

Ambry Genetics
Classification: Uncertain significance for Cardiovascular phenotype. Last evaluated: 2022-05-27. Review status: criteria provided, single submitter. Criteria: Ambry Variant Classification Scheme 2023. Collection method: clinical testing. Allele origin: germline.
Comment: The p.D3198Y variant (also known as c.9592G>T), located in coding exon 40 of the AKAP9 gene, results from a G to T substitution at nucleotide position 9592. The aspartic acid at codon 3198 is replaced by tyrosine, an amino acid with highly dissimilar properties. This amino acid position is conserved. In addition, this alteration is predicted to be tolerated by in silico analysis. Since supporting evidence is limited at this time, the clinical significance of this alteration remains unclear.

NM_005751.5(AKAP9):c.9592G>T (p.Asp3198Tyr)

Gene: AKAP9 (A-kinase anchoring protein 9; plus strand). Cytogenetic location: 7q21.2.
Variant type: single nucleotide variant.
Coding change: c.9592G>T on transcript NM_005751.5 (MANE Select); coding-DNA position 9592, G replaced by T.
Protein change: p.Asp3198Tyr; replaces aspartic acid 3198 with tyrosine.
Molecular consequence: missense variant.
Genome position (GRCh38, 1-based): chr7:92,095,036, G>T. VCF-style: chr7-92095036-G-T. GRCh37 (hg19) VCF-style: chr7-91724350-G-T.
Other names: c.4237G>T, p.Asp1413Tyr (NM_001379277.1); c.9568G>T, p.Asp3190Tyr (NM_147185.3); short protein forms D3190Y, D1413Y, D3198Y.
Identifiers: ClinVar variation 1767485 (VCV001767485.2), dbSNP rs772120685, ClinGen allele CA4337806.
Genomic context (GRCh38, chr7:92,095,036, plus strand): 5'-CTTCGTCAACATAGCTTTATGGAAATTCATTTGTCTTTCTGACTTAGGTTGGAAGTTAAA[G>T]ATAAGACAGATGAAGTACATTTGCTTAATGACACATTAGCAAGTGAACAGAAAAAATCAA-3'
Protein context (NP_005742.4, residues 3188-3208): ELEAFRLEVK[Asp3198Tyr]KTDEVHLLND